The following is an entry in ClinVar:

ClinVar aggregate classification (germline): Conflicting classifications of pathogenicity. Review status: criteria provided, conflicting classifications (1 of 4 stars). 2 submissions from 2 submitters: Likely pathogenic (1); Uncertain significance (1). Last evaluated 2020-12-10.

Conditions:
Inborn genetic diseases. Identifiers: MedGen C0950123, MeSH D030342.

Allele frequency attached by ClinVar (database versions not stated): gnomAD exomes below 0.00001 and 0.00001.

Submissions (2):

Ambry Genetics
Classification: Uncertain significance for Inborn genetic diseases. Last evaluated: 2020-12-10. Review status: criteria provided, single submitter. Criteria: Ambry Variant Classification Scheme 2023. Collection method: clinical testing. Allele origin: germline.
Comment: The p.P363A variant (also known as c.1087C>G), located in coding exon 3 of the SLC52A2 gene, results from a C to G substitution at nucleotide position 1087. The proline at codon 363 is replaced by alanine, an amino acid with highly similar properties. This amino acid position is highly conserved in available vertebrate species. In addition, the in silico prediction for this alteration is inconclusive. Since supporting evidence is limited at this time, the clinical significance of this alteration remains unclear.

GeneDx
Classification: Likely pathogenic. Last evaluated: 2017-07-28. Review status: criteria provided, single submitter. Criteria: GeneDx Variant Classification (06012015). Collection method: clinical testing. Allele origin: germline. Affected: yes.
Comment: The P363A variant in the SLC52A2 gene has not been reported previously as a pathogenic variant, nor as a benign variant, to our knowledge. The P363A variant was not observed in approximately 6500 individuals of European and African American ancestry in the NHLBI Exome Sequencing Project, indicating it is not a common benign variant in these populations. The P363A variant is a semi-conservative amino acid substitution, which may impact secondary protein structure as these residues differ in some properties. This substitution occurs at a position that is conserved across species. In silico analysis predicts this variant is probably damaging to the protein structure/function. The P363A variant is a strong candidate for a pathogenic variant, however the possibility it may be a rare benign variant cannot be excluded.

NM_001363118.2(SLC52A2):c.1087C>G (p.Pro363Ala)

Gene: SLC52A2 (solute carrier family 52 member 2; plus strand). Cytogenetic location: 8q24.3.
Variant type: single nucleotide variant.
Coding change: c.1087C>G on transcript NM_001363118.2 (MANE Select); coding-DNA position 1087, C replaced by G.
Protein change: p.Pro363Ala; replaces proline 363 with alanine.
Molecular consequence: missense variant. On other transcripts: non-coding transcript variant (1).
Genome position (GRCh38, 1-based): chr8:144,360,675, C>G. VCF-style: chr8-144360675-C-G. GRCh37 (hg19) VCF-style: chr8-145584335-C-G.
Other names: c.1087C>G, p.Pro363Ala (NM_001253815.2, NM_001253816.2, NM_001363120.2 and 2 more transcripts); c.595C>G, p.Pro199Ala (NM_001363122.2); short protein forms P363A, P199A.
Identifiers: ClinVar variation 430446 (VCV000430446.4), dbSNP rs1131691969, ClinGen allele CA372629108.
Genomic context (GRCh38, chr8:144,360,675, plus strand): 5'-TCTCTGCTGGGCGTGTTCTGTGGGGGCTACCTGATGGCGCTGGCAGTCCTGAGCCCCTGC[C>G]CGCCCCTGGTGGGCACCTCGGCGGGGGTGGTCCTCGTGGTGAGCACAGGGGGACATGAAG-3'
Protein context (NP_001350047.1, residues 353-373): LMALAVLSPC[Pro363Ala]PLVGTSAGVV